The following is an entry in ClinVar:

NM_004415.4(DSP):c.531C>G (p.Gly177=)

Gene: DSP (desmoplakin; plus strand). Cytogenetic location: 6p24.3.
Variant type: single nucleotide variant.
Coding change: c.531C>G on transcript NM_004415.4 (MANE Select); coding-DNA position 531, C replaced by G.
Protein change: p.Gly177=; no amino-acid change (glycine 177 retained).
Molecular consequence: synonymous variant.
Genome position (GRCh38, 1-based): chr6:7,559,334, C>G. VCF-style: chr6-7559334-C-G. GRCh37 (hg19) VCF-style: chr6-7559567-C-G.
Other names: c.531C>G, p.Gly177= (NM_001008844.3, NM_001319034.2); c.531C>G (NM_004415.3).
Identifiers: ClinVar variation 178023 (VCV000178023.23), dbSNP rs138865799, ClinGen allele CA006427.

ClinVar aggregate classification (germline): Likely benign. Review status: criteria provided, multiple submitters, no conflicts (2 of 4 stars). 8 submissions from 8 submitters: Likely benign (8). Last evaluated 2026-01-31.

Conditions:
DSP-related disorder. Also called: DSP-related condition; DSP-related disorders.
Cardiovascular phenotype. Identifiers: MedGen CN230736.
Arrhythmogenic cardiomyopathy with wooly hair and keratoderma. Also called: Carvajal syndrome; Dilated cardiomyopathy with woolly hair and keratoderma; PALMOPLANTAR KERATODERMA WITH LEFT VENTRICULAR CARDIOMYOPATHY AND WOOLLY HAIR; Arrhythmogenic cardiomyopathy with woolly hair and keratoderma. Identifiers: Orphanet 65282, MedGen C1854063, MONDO:0011581, OMIM 605676.
Arrhythmogenic right ventricular dysplasia 8 (ARVD8). Also called: Arrhythmogenic Right Ventricular Dysplasia/Cardiomyopathy 8; ARRHYTHMOGENIC RIGHT VENTRICULAR CARDIOMYOPATHY 8; ARRHYTHMOGENIC RIGHT VENTRICULAR DYSPLASIA, FAMILIAL, 8. Identifiers: MedGen C1843896, MONDO:0011831, OMIM 607450.
Cardiomyopathy (CMYO). Also called: Cardiomyopathies. Identifiers: Orphanet 167848, MedGen C0878544, MONDO:0004994, HP:0001638. Inheritance: Various modes of inheritance.

Allele frequency attached by ClinVar (database versions not stated): gnomAD exomes 0.00007; ExAC 0.00011; ESP Exome Variant Server 0.00023; gnomAD 0.00031 and 0.00032; TOPMed 0.00034; 1000 Genomes Project 30x 0.00078; 1000 Genomes Project 0.00080.
gnomAD v4.1: 94 of 1,613,724 alleles (0.0058%); highest among the groups gnomAD compares: African/African-American, 0.11%; no homozygotes.

Submissions (8):

Labcorp Genetics (formerly Invitae), Labcorp
Classification: Likely benign for Arrhythmogenic cardiomyopathy with wooly hair and keratoderma; Arrhythmogenic right ventricular dysplasia 8. Last evaluated: 2026-01-31. Review status: criteria provided, single submitter. Criteria: Invitae Variant Classification Sherloc (09022015). Collection method: clinical testing. Allele origin: germline.

PreventionGenetics, part of Exact Sciences
Classification: Likely benign for DSP-related condition. Last evaluated: 2025-04-04. Review status: criteria provided, single submitter. Criteria: ACMG Guidelines, 2015. Collection method: clinical testing. Allele origin: germline.
Comment: This variant is classified as likely benign based on ACMG/AMP sequence variant interpretation guidelines (Richards et al. 2015 PMID: 25741868, with internal and published modifications).

All of Us Research Program, National Institutes of Health
Classification: Likely benign for Arrhythmogenic cardiomyopathy with wooly hair and keratoderma. Last evaluated: 2023-12-18. Review status: criteria provided, single submitter. Criteria: ACMG Guidelines, 2015. Collection method: clinical testing. Allele origin: germline. Inheritance: Autosomal dominant inheritance. Observed: 18 variant alleles, 18 heterozygotes.
Comment: This study involves interpretation of variants in research participants for the purpose of population health screening. Participant phenotype was not available at the time of variant classification. Additional details can be found in publication PMID: 35346344, PMCID: PMC8962531

Ambry Genetics
Classification: Likely benign for Cardiovascular phenotype. Last evaluated: 2019-07-10. Review status: criteria provided, single submitter. Criteria: Ambry Variant Classification Scheme 2023. Collection method: clinical testing. Allele origin: germline.

Blueprint Genetics
Classification: Likely benign. Last evaluated: 2019-07-04. Review status: criteria provided, single submitter. Criteria: ACMG Guidelines, 2015. Collection method: clinical testing. Allele origin: germline.

Color Diagnostics, LLC DBA Color Health
Classification: Likely benign for Cardiomyopathy. Last evaluated: 2018-10-30. Review status: criteria provided, single submitter. Criteria: ACMG Guidelines, 2015. Collection method: clinical testing. Allele origin: germline.

GeneDx
Classification: Likely benign. Last evaluated: 2018-05-09. Review status: criteria provided, single submitter. Criteria: GeneDx Variant Classification (06012015). Collection method: clinical testing. Allele origin: germline. Affected: yes.
Comment: This variant is considered likely benign or benign based on one or more of the following criteria: it is a conservative change, it occurs at a poorly conserved position in the protein, it is predicted to be benign by multiple in silico algorithms, and/or has population frequency not consistent with disease.

Laboratory for Molecular Medicine, Mass General Brigham Personalized Medicine
Classification: Likely benign. Last evaluated: 2015-06-12. Review status: criteria provided, single submitter. Criteria: LMM Criteria. Collection method: clinical testing. Allele origin: germline. Observed: 2 variant alleles.
Comment: p.Gly177Gly in exon 4 of DSP: This variant is not expected to have clinical sign ificance because it does not alter an amino acid residue and is not located with in the splice consensus sequence. It has been identified in 0.1% (11/10406) of A frican chromosomes by the Exome Aggregation Consortium (ExAC; dbSNP rs138865799).